The following is an entry in ClinVar:

ClinVar aggregate classification (germline): Uncertain significance (1 of 4 stars; one submission).

Allele frequency attached by ClinVar (database versions not stated): gnomAD exomes 0.00001.
gnomAD v4.1: 10 of 1,614,114 alleles (0.00062%); highest among the groups gnomAD compares: Non-Finnish European, 0.00076%; no homozygotes.

Submission:

Ambry Genetics
Classification: Uncertain significance. Last evaluated: 2023-11-03. Review status: criteria provided, single submitter. Criteria: Ambry Variant Classification Scheme 2023. Collection method: clinical testing. Allele origin: germline.
Comment: The p.I319V variant (also known as c.955A>G), located in coding exon 2 of the PALLD gene, results from an A to G substitution at nucleotide position 955. The isoleucine at codon 319 is replaced by valine, an amino acid with highly similar properties. This amino acid position is conserved. In addition, this alteration is predicted to be tolerated by in silico analysis. Since supporting evidence is limited at this time, the clinical significance of this alteration remains unclear.

NM_001166108.2(PALLD):c.955A>G (p.Ile319Val)

Gene: PALLD (palladin, cytoskeletal associated protein; plus strand). Cytogenetic location: 4q32.3.
Variant type: single nucleotide variant.
Coding change: c.955A>G on transcript NM_001166108.2 (MANE Select); coding-DNA position 955, A replaced by G.
Protein change: p.Ile319Val; replaces isoleucine 319 with valine.
Molecular consequence: missense variant. On other transcripts: 5 prime UTR variant (1).
Genome position (GRCh38, 1-based): chr4:168,668,236, A>G. VCF-style: chr4-168668236-A-G. GRCh37 (hg19) VCF-style: chr4-169589387-A-G.
Other names: c.-192A>G (NM_001166109.2); c.955A>G, p.Ile319Val (NM_016081.4); short protein forms I319V.
Identifiers: ClinVar variation 1767375 (VCV001767375.2), dbSNP rs1253862609, ClinGen allele CA358793680.